The following is an entry in ClinVar:

NM_206933.4(USH2A):c.14426C>T (p.Thr4809Ile)

Gene: USH2A (usherin; minus strand). Cytogenetic location: 1q41.
Variant type: single nucleotide variant.
Coding change: c.14426C>T on transcript NM_206933.4 (MANE Select); coding-DNA position 14426, C replaced by T.
Protein change: p.Thr4809Ile; replaces threonine 4809 with isoleucine.
Molecular consequence: missense variant.
Genome position (GRCh38, 1-based): chr1:215,648,684, G>A on the plus strand (C>T on the coding strand, the complement: USH2A is on the minus strand). VCF-style: chr1-215648684-G-A. GRCh37 (hg19) VCF-style: chr1-215822026-G-A.
Other names: short protein forms T4809I.
Identifiers: ClinVar variation 438016 (VCV000438016.23), dbSNP rs770553471, ClinGen allele CA1393021.

ClinVar aggregate classification (germline): Pathogenic/Likely pathogenic. Review status: criteria provided, multiple submitters, no conflicts (2 of 4 stars). 12 submissions from 12 submitters: Pathogenic (7); Likely pathogenic (2). 3 of the submissions do not count toward it. Last evaluated 2025-10-17.

Conditions:
Usher syndrome. Also called: Usher Syndromes; Usher's syndrome. Identifiers: Orphanet 886, MedGen CN469326, MeSH D052245, MONDO:0019501. Disease mechanism: loss of function.
Retinitis pigmentosa 39 (RP39). Identifiers: Orphanet 791, MedGen C3151138, MONDO:0013436, OMIM 613809.
USH2A-related disorder. Also called: USH2A-related condition; USH2A-related disorders. Identifiers: MedGen CN239332.
Usher syndrome type 2A. Also called: RETINAL DISEASE IN USHER SYNDROME TYPE IIA, MODIFIER OF; USHER SYNDROME, TYPE IIA. Identifiers: Orphanet 231178, Orphanet 886, MedGen C1848634, MONDO:0010169, OMIM 276901.
Retinal disorder. Also called: Retinopathies; Retinal Diseases; Retinal disorders; Retinopathy. Identifiers: MedGen C0035309, MONDO:0005283, HP:0000488.

Allele frequency attached by ClinVar (database versions not stated): ExAC 0.00001; gnomAD 0.00001; gnomAD exomes 0.00001; TOPMed 0.00001.
gnomAD v4.1: 30 of 1,614,098 alleles (0.0019%); highest among the groups gnomAD compares: African/African-American, 0.0027%; no homozygotes.

Submissions (12):

Genetics Laboratory, Great Ormond Street Hospital NHS Foundation Trust, North Thames Genomic Laboratory Hub
Classification: Likely pathogenic for Retinal disorders. Last evaluated: 2025-10-17. Review status: criteria provided, single submitter. Criteria: ACGS Best Practice Guidelines for Variant Classification in Rare Disease 2024 v1.2. Collection method: clinical testing. Allele origin: germline. Affected: yes.
Comment: PM2_moderate, PM3_strong

3billion
Classification: Pathogenic for Retinitis pigmentosa 39. Last evaluated: 2025-05-08. Review status: criteria provided, single submitter. Criteria: ACMG Guidelines, 2015. Collection method: clinical testing. Allele origin: germline. Affected: yes.
Comment: The variant is observed at an extremely low frequency in the gnomAD v4.1.0 dataset (total allele frequency: 0.002%). Predicted Consequence/Location: Missense variant. The majority of the known disease-causing variants of this gene are variants expected to result in premature termination of the protein. In silico tool predictions suggest damaging effect of the variant on gene or gene product [REVEL: 0.63 (>=0.6, sensitivity 0.68 and specificity 0.92)]. The same nucleotide change resulting in the same amino acid change has been previously reported as pathogenic/likely pathogenic with strong evidence (ClinVar ID: VCV000438016 /PMID: 18665195). The variant has been reported to be in trans with a pathogenic variant as either compound heterozygous or homozygous in at least 2 similarly affected unrelated individuals (PMID: 27460420). Therefore, this variant is classified as Pathogenic according to the recommendation of ACMG/AMP guideline.

Natera, Inc.
Classification: Pathogenic for Usher syndrome type 2A. Last evaluated: 2025-03-31. Review status: criteria provided, single submitter. Criteria: Natera Variant Classification Schema (03/2026). Collection method: clinical testing. Allele origin: germline.
Comment: The c.14426C>T variant in USH2A is a missense variant predicted to cause substitution of threonine to isoleucine at amino acid 4809. This variant is rare in the general population with a frequency below the threshold expected for the associated phenotype(s). This variant has been observed in one or more individuals affected with the associated recessive disease, as either homozygous or compound heterozygous with a second variant (PMID: 38219857, 37466950, 27460420, 21569298, 31998945). Computational prediction algorithms indicate this variant is likely to affect gene or protein function. Given the available evidence, this variant is classified as Pathogenic.

Blueprint Genetics
Classification: Pathogenic for USH2A-related disorders. Last evaluated: 2024-10-02. Review status: criteria provided, single submitter. Criteria: ACMG Guidelines, 2015. Collection method: clinical testing. Allele origin: germline. Affected: yes. Observed: 5 variant alleles.

Fulgent Genetics
Classification: Pathogenic for Usher syndrome type 2A; Retinitis pigmentosa 39. Last evaluated: 2024-03-08. Review status: criteria provided, single submitter. Criteria: ACMG Guidelines, 2015. Collection method: clinical testing. Allele origin: germline.

Women's Health and Genetics/Laboratory Corporation of America, LabCorp
Classification: Pathogenic for Usher syndrome. Last evaluated: 2024-03-07. Review status: criteria provided, single submitter. Criteria: LabCorp Variant Classification Summary - May 2015. Collection method: clinical testing. Allele origin: germline.
Comment: Variant summary: USH2A c.14426C>T (p.Thr4809Ile) results in a non-conservative amino acid change in the Fibronectin type III domain (IPR003961) of the encoded protein sequence. Four of five in-silico tools predict a damaging effect of the variant on protein function. The variant allele was found at a frequency of 8e-06 in 251388 control chromosomes. c.14426C>T has been reported in the literature in at-least four individuals affected with Usher Syndrome, in whom, this variant was at a compound heterozygous state along with a different second pathogenic variant (Bonnet_2016, 2011, Toms_2020). These data indicate that the variant is likely to be associated with disease. To our knowledge, no experimental evidence demonstrating an impact on protein function has been reported. The following publications have been ascertained in the context of this evaluation (PMID: 27460420, 21569298, 31998945). ClinVar contains an entry for this variant (Variation ID: 438016). Based on the evidence outlined above, the variant was classified as pathogenic.

Labcorp Genetics (formerly Invitae), Labcorp
Classification: Pathogenic. Last evaluated: 2024-02-26. Review status: criteria provided, single submitter. Criteria: Invitae Variant Classification Sherloc (09022015). Collection method: clinical testing. Allele origin: germline.
Comment: This sequence change replaces threonine, which is neutral and polar, with isoleucine, which is neutral and non-polar, at codon 4809 of the USH2A protein (p.Thr4809Ile). This variant is present in population databases (rs770553471, gnomAD 0.007%). This missense change has been observed in individual(s) with Usher syndrome or retinitis pigmentosa (PMID: 18665195, 21569298, 24944099, 25649381, 27460420; Invitae). In at least one individual the data is consistent with being in trans (on the opposite chromosome) from a pathogenic variant. ClinVar contains an entry for this variant (Variation ID: 438016). Advanced modeling of protein sequence and biophysical properties (such as structural, functional, and spatial information, amino acid conservation, physicochemical variation, residue mobility, and thermodynamic stability) performed at Invitae indicates that this missense variant is expected to disrupt USH2A protein function with a positive predictive value of 95%. For these reasons, this variant has been classified as Pathogenic.

Baylor Genetics
Classification: Pathogenic for Retinitis pigmentosa 39. Last evaluated: 2023-10-19. Review status: criteria provided, single submitter. Criteria: ACMG Guidelines, 2015. Collection method: clinical testing. Allele origin: unknown.

GeneDx
Classification: Likely pathogenic. Last evaluated: 2018-12-07. Review status: criteria provided, single submitter. Criteria: GeneDx Variant Classification (06012015). Collection method: clinical testing. Allele origin: germline. Affected: yes.
Comment: The T4809I variant in the USH2A gene has been reported previously in individuals with Usher syndrome type II who also harbored an additional variant in the USH2A gene, although parental studies were not performed to confirm the phase of these variants in all of these studies (Ebermann et al., 2009; Bonnet et al., 2011; Baux et al., 2014; Lenassi et al., 2015; Bonnet et al., 2016; Carss et al., 2017). The T4809I variant is observed in 1/15,304 (0.0065%) alleles from individuals of African background and 2/246,160 global alleles in large population cohorts (Lek et al., 2016). The T4809I variant is a non-conservative amino acid substitution, which is likely to impact secondary protein structure as these residues differ in polarity, charge, size and/or other properties. In-silico analyses, including protein predictors and evolutionary conservation, support a deleterious effect. We interpret T4809I as a likely pathogenic variant.

Counsyl
Classification: Likely pathogenic for Usher syndrome type 2A; Retinitis pigmentosa 39. Last evaluated: 2018-05-10. Review status: no assertion criteria provided. Collection method: clinical testing. Allele origin: unknown. Not counted in ClinVar's aggregate classification.

NIHR Bioresource Rare Diseases, University of Cambridge
Classification: Likely pathogenic for Usher syndrome. Last evaluated: 2015-01-01. Review status: no assertion criteria provided. Collection method: research. Allele origin: unknown. Affected: yes. Observed: 1 variant allele. Not counted in ClinVar's aggregate classification.

Eurofins Ntd Llc (ga)
Classification: Uncertain significance. Last evaluated: 2016-12-19. Review status: flagged submission. Criteria: EGL Classification Definitions 2015. Collection method: clinical testing. Allele origin: germline. Observed: 1 variant allele, 1 heterozygote. Not counted in ClinVar's aggregate classification.
ClinVar note: Reason: Older and outlier claim with insufficient supporting evidence

Literature cited by the submitters: PubMed 27460420 (cited by 5 submitters); PubMed 18665195 (cited by 4 submitters); PubMed 38219857 (cited by Natera, Inc.); PubMed 37466950 (cited by Natera, Inc.); PubMed 21569298 (cited by 4 submitters); PubMed 31998945 (cited by Natera, Inc. and Women's Health and Genetics/Laboratory Corporation of America, LabCorp); PubMed 24944099 (cited by Labcorp Genetics (formerly Invitae), Labcorp and Counsyl); PubMed 25649381 (cited by Labcorp Genetics (formerly Invitae), Labcorp and Counsyl); PubMed 28041643 (cited by Counsyl and NIHR Bioresource Rare Diseases, University of Cambridge).